The following is an entry in ClinVar:

ClinVar aggregate classification (germline): Uncertain significance (1 of 4 stars; one submission).

Conditions:
Primary dilated cardiomyopathy (DCM). Also called: Dilated Cardiomyopathy. Identifiers: Orphanet 217604, MedGen C0007193, MeSH D002311, MONDO:0005021, HP:0001644. Inheritance: Various modes of inheritance.

Submission:

Petrovsky National Research Centre of Surgery, The Federal Agency for Scientific Organizations
Classification: Uncertain significance for Primary dilated cardiomyopathy. Last evaluated: 2024-07-05. Review status: criteria provided, single submitter. Criteria: ACMG Guidelines, 2015. Collection method: clinical testing. Allele origin: unknown. Affected: yes. Observed: 1 heterozygote.
Comment: This variant is absent in The Genome Aggregation Database (gnomAD) v2.1.1 and v4.1.0 (Date of access 05-07-2024). This variant has not been previously reported in any study to our knowledge. Most in silico predictors show pathogenic result of the protein change. In accordance with ACMG(2015) criteria variant is classified as Variant of Uncertain Significance (VUS) with following criteria selected: PM2, PM6, PP3.

NM_001018005.2(TPM1):c.88A>G (p.Lys30Glu)

Gene: TPM1 (tropomyosin 1; plus strand). Cytogenetic location: 15q22.2.
Variant type: single nucleotide variant.
Coding change: c.88A>G on transcript NM_001018005.2 (MANE Select); coding-DNA position 88, A replaced by G.
Protein change: p.Lys30Glu; replaces lysine 30 with glutamic acid.
Molecular consequence: missense variant. On other transcripts: non-coding transcript variant (11).
Genome position (GRCh38, 1-based): chr15:63,042,917, A>G. VCF-style: chr15-63042917-A-G. GRCh37 (hg19) VCF-style: chr15-63335116-A-G.
Other names: p.Lys30Glu; c.88A>G, p.Lys30Glu (NM_000366.6, NM_001018004.2, NM_001018006.2 and 24 more transcripts); short protein forms K30E.
Identifiers: ClinVar variation 3250489 (VCV003250489.2), dbSNP rs2542412872.
Genomic context (GRCh38, chr15:63,042,917, plus strand): 5'-ATGCTGAAGCTCGACAAGGAGAACGCCTTGGATCGAGCTGAGCAGGCGGAGGCCGACAAG[A>G]AGGCGGCGGAAGACAGGAGCAAGCAGGTCTGCGCCTCCCCGGCCCTGCGCCCGCGCCCAG-3'
Protein context (NP_001018005.1, residues 20-40): DRAEQAEADK[Lys30Glu]AAEDRSKQLE